The following is an entry in ClinVar:

ClinVar aggregate classification (germline): Uncertain significance (0 of 4 stars; one submission).

Conditions:
Prostate cancer. Also called: Malignant tumor of prostate. Identifiers: Orphanet 1331, MedGen C0376358, MONDO:0008315, HP:0012125.

Allele frequency attached by ClinVar (database versions not stated): gnomAD exomes below 0.00001.
gnomAD v4.1: 1 of 1,613,304 alleles (0.000062%); highest among the groups gnomAD compares: Non-Finnish European, 0.000085%; no homozygotes.

Submission:

Science for Life laboratory,  Karolinska Institutet
Classification: Uncertain significance for Malignant tumor of prostate. Review status: no assertion criteria provided. Collection method: not provided. Allele origin: somatic.
Comment: TumorID:SWE-17
ClinVar note: Converted during submission from Unknown to Uncertain significance.

NM_014320.3(HEBP2):c.125A>G (p.His42Arg)

Gene: HEBP2 (heme binding protein 2; plus strand). Cytogenetic location: 6q24.1.
Variant type: single nucleotide variant.
Coding change: c.125A>G on transcript NM_014320.3 (MANE Select); coding-DNA position 125, A replaced by G.
Protein change: p.His42Arg; replaces histidine 42 with arginine.
Molecular consequence: missense variant.
Genome position (GRCh38, 1-based): chr6:138,405,167, A>G. VCF-style: chr6-138405167-A-G. GRCh37 (hg19) VCF-style: chr6-138726304-A-G.
Other names: c.158A>G, p.His53Arg (NM_001326380.2); c.125A>G, p.His42Arg (NM_001326381.2); short protein forms H42R, H53R.
Identifiers: ClinVar variation 161675 (VCV000161675.2), dbSNP rs193920889, ClinGen allele CA174577.
Genomic context (GRCh38, chr6:138,405,167, plus strand): 5'-TAGAATTGCTTCTCGAAGTTTTCTCTGTTCCACTTTAGCCCGGAAGTTATGAGATCCGAC[A>G]CTATGGACCAGCCAAGTGGGTCAGCACGTCCGTGGAGTCTATGGACTGGGATTCAGCCAT-3'
Protein context (NP_055135.1, residues 32-52): GPQPGSYEIR[His42Arg]YGPAKWVSTS